The following is an entry in ClinVar:

NM_000018.4(ACADVL):c.431T>C (p.Leu144Pro)

Gene: ACADVL (acyl-CoA dehydrogenase very long chain; plus strand). Cytogenetic location: 17p13.1.
Variant type: single nucleotide variant.
Coding change: c.431T>C on transcript NM_000018.4 (MANE Select); coding-DNA position 431, T replaced by C.
Protein change: p.Leu144Pro; replaces leucine 144 with proline.
Molecular consequence: missense variant.
Genome position (GRCh38, 1-based): chr17:7,221,012, T>C. VCF-style: chr17-7221012-T-C. GRCh37 (hg19) VCF-style: chr17-7124331-T-C.
Other names: c.365T>C, p.Leu122Pro (NM_001033859.3); c.500T>C, p.Leu167Pro (NM_001270447.2); c.203T>C, p.Leu68Pro (NM_001270448.2); short protein forms L144P, L122P, L167P, L68P.
Identifiers: ClinVar variation 541720 (VCV000541720.9), dbSNP rs1555527925, ClinGen allele CA397722889.

ClinVar aggregate classification (germline): Uncertain significance. Review status: criteria provided, multiple submitters, no conflicts (2 of 4 stars). 2 submissions from 2 submitters: Uncertain significance (2). Last evaluated 2024-11-13.

Conditions:
Very long chain acyl-CoA dehydrogenase deficiency (ACADVLD). Also called: VLCAD Deficiency; Very Long-Chain Acyl-Coenzyme A Dehydrogenase Deficiency. Identifiers: Orphanet 26793, MedGen C3887523, MONDO:0008723, OMIM 201475.

Allele frequency attached by ClinVar (database versions not stated): gnomAD exomes below 0.00001.
gnomAD v4.1: 1 of 1,613,966 alleles (0.000062%); highest among the groups gnomAD compares: Non-Finnish European, 0.000085%; no homozygotes.

Submissions (2):

Blueprint Genetics
Classification: Uncertain significance. Last evaluated: 2024-11-13. Review status: criteria provided, single submitter. Criteria: ACMG Guidelines, 2015. Collection method: clinical testing. Allele origin: germline.

Labcorp Genetics (formerly Invitae), Labcorp
Classification: Uncertain significance for Very long chain acyl-CoA dehydrogenase deficiency. Last evaluated: 2024-10-03. Review status: criteria provided, single submitter. Criteria: Invitae Variant Classification Sherloc (09022015). Collection method: clinical testing. Allele origin: germline.
Comment: This sequence change replaces leucine, which is neutral and non-polar, with proline, which is neutral and non-polar, at codon 144 of the ACADVL protein (p.Leu144Pro). This variant is not present in population databases (gnomAD no frequency). This variant has not been reported in the literature in individuals affected with ACADVL-related conditions. ClinVar contains an entry for this variant (Variation ID: 541720). Invitae Evidence Modeling of protein sequence and biophysical properties (such as structural, functional, and spatial information, amino acid conservation, physicochemical variation, residue mobility, and thermodynamic stability) has been performed for this missense variant. However, the output from this modeling did not meet the statistical confidence thresholds required to predict the impact of this variant on ACADVL protein function. This variant disrupts the p.Leu144 amino acid residue in ACADVL. Other variant(s) that disrupt this residue have been determined to be pathogenic (PMID: 30194637). This suggests that this residue is clinically significant, and that variants that disrupt this residue are likely to be disease-causing. In summary, the available evidence is currently insufficient to determine the role of this variant in disease. Therefore, it has been classified as a Variant of Uncertain Significance.

Literature cited by the submitters: PubMed 30194637 (cited by Labcorp Genetics (formerly Invitae), Labcorp).